The following is an entry in ClinVar:

ClinVar aggregate classification (germline): Uncertain significance. Review status: criteria provided, multiple submitters, no conflicts (2 of 4 stars). 2 submissions from 2 submitters: Uncertain significance (2). Last evaluated 2023-01-25.

Conditions:
Inborn genetic diseases. Identifiers: MedGen C0950123, MeSH D030342.

Allele frequency attached by ClinVar (database versions not stated): ExAC 0.00001; gnomAD 0.00001; TOPMed 0.00003.
gnomAD v4.1: 7 of 1,613,948 alleles (0.00043%); highest among the groups gnomAD compares: Admixed American, 0.0067%; no homozygotes.

Submissions (2):

Ambry Genetics
Classification: Uncertain significance for Inborn genetic diseases. Last evaluated: 2023-01-25. Review status: criteria provided, single submitter. Criteria: Ambry Variant Classification Scheme 2023. Collection method: clinical testing. Allele origin: germline.

Labcorp Genetics (formerly Invitae), Labcorp
Classification: Uncertain significance. Last evaluated: 2022-07-25. Review status: criteria provided, single submitter. Criteria: Invitae Variant Classification Sherloc (09022015). Collection method: clinical testing. Allele origin: germline.
Comment: This sequence change replaces proline, which is neutral and non-polar, with alanine, which is neutral and non-polar, at codon 154 of the SPARC protein (p.Pro154Ala). This variant is present in population databases (rs749186030, gnomAD 0.006%). This variant has not been reported in the literature in individuals affected with SPARC-related conditions. Algorithms developed to predict the effect of missense changes on protein structure and function output the following: SIFT: "Tolerated"; PolyPhen-2: "Benign"; Align-GVGD: "Class C0". The alanine amino acid residue is found in multiple mammalian species, which suggests that this missense change does not adversely affect protein function. In summary, the available evidence is currently insufficient to determine the role of this variant in disease. Therefore, it has been classified as a Variant of Uncertain Significance.

NM_003118.4(SPARC):c.460C>G (p.Pro154Ala)

Gene: SPARC (secreted protein acidic and cysteine rich; minus strand). Cytogenetic location: 5q33.1.
Variant type: single nucleotide variant.
Coding change: c.460C>G on transcript NM_003118.4 (MANE Select); coding-DNA position 460, C replaced by G.
Protein change: p.Pro154Ala; replaces proline 154 with alanine.
Molecular consequence: missense variant.
Genome position (GRCh38, 1-based): chr5:151,667,592, G>C on the plus strand (C>G on the coding strand, the complement: SPARC is on the minus strand). VCF-style: chr5-151667592-G-C. GRCh37 (hg19) VCF-style: chr5-151047153-G-C.
Other names: c.457C>G, p.Pro153Ala (NM_001309443.2); c.460C>G, p.Pro154Ala (NM_001309444.2); c.460C>G (NM_003118.2); short protein forms P153A, P154A.
Identifiers: ClinVar variation 2081872 (VCV002081872.6), dbSNP rs749186030, ClinGen allele CA3522674.